The following is an entry in ClinVar:

ClinVar aggregate classification (germline): Uncertain significance (1 of 4 stars; one submission).

Submission:

Labcorp Genetics (formerly Invitae), Labcorp
Classification: Uncertain significance. Last evaluated: 2025-06-11. Review status: criteria provided, single submitter. Criteria: Invitae Variant Classification Sherloc (09022015). Collection method: clinical testing. Allele origin: germline.
Comment: This sequence change falls in intron 8 of the TCF3 gene. It does not directly change the encoded amino acid sequence of the TCF3 protein. This variant is not present in population databases (gnomAD no frequency). This variant has not been reported in the literature in individuals affected with TCF3-related conditions. Algorithms developed to predict the effect of sequence changes on RNA splicing suggest that this variant may disrupt the consensus splice site. In summary, the available evidence is currently insufficient to determine the role of this variant in disease. Therefore, it has been classified as a Variant of Uncertain Significance.

NM_003200.5(TCF3):c.550-9C>A

Gene: TCF3 (transcription factor 3; minus strand). Cytogenetic location: 19p13.3.
Variant type: single nucleotide variant.
Coding change: c.550-9C>A on transcript NM_003200.5 (MANE Select); 9 bases into the intron before coding-DNA position 550, C replaced by A.
Molecular consequence: intron variant.
Genome position (GRCh38, 1-based): chr19:1,622,424, G>T on the plus strand (C>A on the coding strand, the complement: TCF3 is on the minus strand). VCF-style: chr19-1622424-G-T. GRCh37 (hg19) VCF-style: chr19-1622423-G-T.
Other names: c.550-9C>A (NM_001351778.2, NM_001136139.4, NM_001351779.2).
Identifiers: ClinVar variation 4721216 (VCV004721216.1).
Genomic context (GRCh38, chr19:1,622,424, plus strand): 5'-GGTAGGCGGTGGCATCCCTGCCGTAGTCCTCACCTGAGCTGGGTGGGTACACCTGCGGGC[G>T]GGTGGGCGGTGGGGGGTGCAGTCAGGACGGAGGGACCACGATCAGCCCATGCACCTTGCC-3'